The following is an entry in ClinVar:

NM_001142864.4(PIEZO1):c.559C>T (p.Arg187Cys)

Genes: HSALR1 (HSP90AB1 associated lncRNA 1; plus strand), PIEZO1 (piezo type mechanosensitive ion channel component 1 (Er blood group); minus strand). Cytogenetic location: 16q24.3.
Variant type: single nucleotide variant.
Coding change: c.559C>T on transcript NM_001142864.4 (MANE Select); coding-DNA position 559, C replaced by T.
Protein change: p.Arg187Cys; replaces arginine 187 with cysteine.
Molecular consequence: missense variant. On other transcripts: non-coding transcript variant (1).
Genome position (GRCh38, 1-based): chr16:88,738,643, G>A on the plus strand (C>T on the coding strand, the complement: PIEZO1 is on the minus strand). VCF-style: chr16-88738643-G-A. GRCh37 (hg19) VCF-style: chr16-88805051-G-A.
Other names: short protein forms R187C.
Identifiers: ClinVar variation 3350632 (VCV003350632.1).

ClinVar aggregate classification (germline): Uncertain significance (0 of 4 stars; one submission).

Conditions:
PIEZO1-related disorder. Also called: PIEZO1-related condition; PIEZO1-Related Disorders.

gnomAD v4.1: 86 of 1,535,576 alleles (0.0056%); highest among the groups gnomAD compares: East Asian, 0.18%; 1 homozygote.

Submission:

PreventionGenetics, part of Exact Sciences
Classification: Uncertain significance for PIEZO1-related condition. Last evaluated: 2024-05-17. Review status: no assertion criteria provided. Collection method: clinical testing. Allele origin: germline.
Comment: The PIEZO1 c.559C>T variant is predicted to result in the amino acid substitution p.Arg187Cys. To our knowledge, this variant has not been reported in the literature. This variant is reported in 0.076% of alleles in individuals of East Asian descent in gnomAD. Although we suspect that this variant may be benign, at this time, the clinical significance of this variant is uncertain due to the absence of conclusive functional and genetic evidence.